The following is an entry in ClinVar:

ClinVar aggregate classification (germline): Conflicting classifications of pathogenicity. Review status: criteria provided, conflicting classifications (1 of 4 stars). 2 submissions from 2 submitters: Uncertain significance (1); Likely benign (1). Last evaluated 2023-01-16.

gnomAD v4.1: 8 of 1,559,798 alleles (0.00051%); highest among the groups gnomAD compares: Non-Finnish European, 0.00069%; no homozygotes.

Submissions (2):

Labcorp Genetics (formerly Invitae), Labcorp
Classification: Likely benign. Last evaluated: 2023-01-16. Review status: criteria provided, single submitter. Criteria: Invitae Variant Classification Sherloc (09022015). Collection method: clinical testing. Allele origin: germline.

GeneDx
Classification: Uncertain significance. Last evaluated: 2021-02-16. Review status: criteria provided, single submitter. Criteria: GeneDx Variant Classification Process June 2021. Collection method: clinical testing. Allele origin: germline. Affected: yes.
Comment: Not observed in large population cohorts (Lek et al., 2016); In silico analysis supports that this missense variant does not alter protein structure/function; Has not been previously published as pathogenic or benign to our knowledge

NM_006031.6(PCNT):c.7977G>T (p.Gln2659His)

Gene: PCNT (pericentrin; plus strand). Cytogenetic location: 21q22.3.
Variant type: single nucleotide variant.
Coding change: c.7977G>T on transcript NM_006031.6 (MANE Select); coding-DNA position 7977, G replaced by T.
Protein change: p.Gln2659His; replaces glutamine 2659 with histidine.
Molecular consequence: missense variant.
Genome position (GRCh38, 1-based): chr21:46,430,570, G>T. VCF-style: chr21-46430570-G-T. GRCh37 (hg19) VCF-style: chr21-47850484-G-T.
Other names: c.7623G>T, p.Gln2541His (NM_001315529.2); short protein forms Q2541H, Q2659H.
Identifiers: ClinVar variation 1314120 (VCV001314120.5), dbSNP rs2070426, ClinGen allele CA410572203.